The following is an entry in ClinVar:

NM_198859.4(PRICKLE2):c.2342C>T (p.Ser781Phe)

Genes: PRICKLE2 (prickle planar cell polarity protein 2; minus strand), PRICKLE2-AS1 (PRICKLE2 antisense RNA 1; plus strand). Cytogenetic location: 3p14.1.
Variant type: single nucleotide variant.
Coding change: c.2342C>T on transcript NM_198859.4 (MANE Select); coding-DNA position 2342, C replaced by T.
Protein change: p.Ser781Phe; replaces serine 781 with phenylalanine.
Molecular consequence: missense variant. On other transcripts: non-coding transcript variant (1).
Genome position (GRCh38, 1-based): chr3:64,099,244, G>A on the plus strand (C>T on the coding strand, the complement: PRICKLE2 is on the minus strand). VCF-style: chr3-64099244-G-A. GRCh37 (hg19) VCF-style: chr3-64084920-G-A.
Other names: c.2342C>T, p.Ser781Phe (NM_001370528.1); short protein forms S781F.
Identifiers: ClinVar variation 2783845 (VCV002783845.3), dbSNP rs2076614198, ClinGen allele CA353426068.

ClinVar aggregate classification (germline): Uncertain significance (1 of 4 stars; one submission).

Conditions:
Progressive myoclonic epilepsy type 5. Identifiers: Orphanet 402082, MedGen C5190799.

Allele frequency attached by ClinVar (database versions not stated): gnomAD exomes below 0.00001; gnomAD 0.00001.
gnomAD v4.1: 4 of 1,614,088 alleles (0.00025%); highest among the groups gnomAD compares: Non-Finnish European, 0.00034%; no homozygotes.

Submission:

Labcorp Genetics (formerly Invitae), Labcorp
Classification: Uncertain significance for Progressive myoclonic epilepsy type 5. Last evaluated: 2023-07-18. Review status: criteria provided, single submitter. Criteria: Invitae Variant Classification Sherloc (09022015). Collection method: clinical testing. Allele origin: germline.
Comment: In summary, the available evidence is currently insufficient to determine the role of this variant in disease. Therefore, it has been classified as a Variant of Uncertain Significance. Advanced modeling of protein sequence and biophysical properties (such as structural, functional, and spatial information, amino acid conservation, physicochemical variation, residue mobility, and thermodynamic stability) performed at Invitae indicates that this missense variant is expected to disrupt PRICKLE2 protein function. This variant has not been reported in the literature in individuals affected with PRICKLE2-related conditions. This variant is not present in population databases (gnomAD no frequency). This sequence change replaces serine, which is neutral and polar, with phenylalanine, which is neutral and non-polar, at codon 781 of the PRICKLE2 protein (p.Ser781Phe).